The following is an entry in ClinVar:

ClinVar aggregate classification (germline): Uncertain significance (1 of 4 stars; one submission).

Conditions:
Hereditary cancer-predisposing syndrome. Also called: Neoplastic Syndromes, Hereditary; Tumor predisposition; Hereditary Cancer Syndrome; Hereditary neoplastic syndrome. Identifiers: Orphanet 140162, MedGen C0027672, MeSH D009386, MONDO:0015356.

Submission:

Ambry Genetics
Classification: Uncertain significance for Hereditary cancer-predisposing syndrome. Last evaluated: 2025-12-18. Review status: criteria provided, single submitter. Criteria: Ambry Variant Classification Scheme 2023. Collection method: clinical testing. Allele origin: germline.
Comment: The p.S240R variant (also known as c.718A>C), located in coding exon 5 of the POLD1 gene, results from an A to C substitution at nucleotide position 718. The serine at codon 240 is replaced by arginine, an amino acid with dissimilar properties. This amino acid position is conserved. In addition, this alteration is predicted to be tolerated by in silico analysis. Based on the available evidence, the clinical significance of this variant remains unclear.

NM_002691.4(POLD1):c.718A>C (p.Ser240Arg)

Gene: POLD1 (DNA polymerase delta 1, catalytic subunit; plus strand). Cytogenetic location: 19q13.33.
Variant type: single nucleotide variant.
Coding change: c.718A>C on transcript NM_002691.4 (MANE Select); coding-DNA position 718, A replaced by C.
Protein change: p.Ser240Arg; replaces serine 240 with arginine.
Molecular consequence: missense variant. On other transcripts: non-coding transcript variant (1).
Genome position (GRCh38, 1-based): chr19:50,402,333, A>C. VCF-style: chr19-50402333-A-C. GRCh37 (hg19) VCF-style: chr19-50905590-A-C.
Other names: c.718A>C, p.Ser240Arg (NM_001438213.1, NM_001256849.1, NM_001308632.1 and 3 more transcripts); short protein forms S240R.
Identifiers: ClinVar variation 4841595 (VCV004841595.1).